The following is an entry in ClinVar:

ClinVar aggregate classification (germline): Uncertain significance (1 of 4 stars; one submission).

Conditions:
SEMA3A-related disorder. Also called: SEMA3A-related condition.

gnomAD v4.1: 1 of 1,612,664 alleles (0.000062%); highest among the groups gnomAD compares: Non-Finnish European, 0.000085%; no homozygotes.

Submission:

PreventionGenetics, part of Exact Sciences
Classification: Uncertain significance for SEMA3A-related condition. Last evaluated: 2025-08-04. Review status: criteria provided, single submitter. Criteria: ACMG Guidelines, 2015. Collection method: clinical testing. Allele origin: germline.
Comment: The SEMA3A c.951A>C variant is predicted to result in the amino acid substitution p.Lys317Asn. To our knowledge, this variant has not been reported in the literature or in a large population database (gnomAD), indicating this variant is rare. Of note, a different variant impacting the same amino acid (p.Lys317Arg) has been reported in an individual with a SEMA3A-related disorder (Hu et al. 2019. PubMed ID: 31667184). At this time, the clinical significance of the c.951A>C (p.Lys317Asn) variant is uncertain due to the absence of conclusive functional and genetic evidence.

NM_006080.3(SEMA3A):c.951A>C (p.Lys317Asn)

Gene: SEMA3A (semaphorin 3A; minus strand). Cytogenetic location: 7q21.11.
Variant type: single nucleotide variant.
Coding change: c.951A>C on transcript NM_006080.3 (MANE Select); coding-DNA position 951, A replaced by C.
Protein change: p.Lys317Asn; replaces lysine 317 with asparagine.
Molecular consequence: missense variant.
Genome position (GRCh38, 1-based): chr7:84,011,066, T>G on the plus strand (A>C on the coding strand, the complement: SEMA3A is on the minus strand). VCF-style: chr7-84011066-T-G. GRCh37 (hg19) VCF-style: chr7-83640382-T-G.
Other names: short protein forms K317N.
Identifiers: ClinVar variation 5000355 (VCV005000355.1).
Genomic context (GRCh38, chr7:84,011,066, plus strand): 5'-TTAAAAAGTTACTTACCTGGAAGTCGTAAACACTCCATATACAACTGGATTTTTAGGATC[T>G]TTAAAGTTCATTAGGAATACATCCTCTGTTTAAAAACAAAATTGGAGAAAGTTGCTTTTT-3'
Protein context (NP_006071.1, residues 307-327): ELQDVFLMNF[Lys317Asn]DPKNPVVYGV